The following is an entry in ClinVar:

NM_130468.4(CHST14):c.494del (p.Val165fs)

Gene: CHST14 (carbohydrate sulfotransferase 14; plus strand). Cytogenetic location: 15q15.1.
Variant type: Deletion.
Coding change: c.494del on transcript NM_130468.4 (MANE Select); coding-DNA position 494, one base deleted (T; older notation c.494delT).
Protein change: p.Val165fs; shifts the reading frame from valine 165.
Molecular consequence: frameshift variant.
Genome position (GRCh38, 1-based): chr15:40,471,707, T deleted. VCF-style (leftmost placement, unchanged base first): chr15-40471706-GT-G. GRCh37 (hg19) VCF-style: chr15-40763905-GT-G.
Other names: short protein forms V165fs.
Identifiers: ClinVar variation 3727226 (VCV003727226.2).

ClinVar aggregate classification (germline): Pathogenic (1 of 4 stars; one submission).

Conditions:
Ehlers-Danlos syndrome, musculocontractural type (EDSMC). Also called: Adducted thumb, clubfoot, progressive joint and skin laxity syndrome; DUNDAR SYNDROME; ARTHROGRYPOSIS, DISTAL, WITH PECULIAR FACIES AND HYDRONEPHROSIS; ADDUCTED THUMB-CLUBFOOT SYNDROME. Identifiers: Orphanet 2953, MedGen C1866294, MONDO:0011142.

Submission:

Labcorp Genetics (formerly Invitae), Labcorp
Classification: Pathogenic for Ehlers-Danlos syndrome, musculocontractural type. Last evaluated: 2026-01-06. Review status: criteria provided, single submitter. Criteria: Invitae Variant Classification Sherloc (09022015). Collection method: clinical testing. Allele origin: germline.
Comment: This sequence change creates a premature translational stop signal (p.Val165Glyfs*2) in the CHST14 gene. While this is not anticipated to result in nonsense mediated decay, it is expected to disrupt the last 212 amino acid(s) of the CHST14 protein. This variant is not present in population databases (gnomAD no frequency). This variant has not been reported in the literature in individuals affected with CHST14-related conditions. ClinVar contains an entry for this variant (Variation ID: 3727226). This variant disrupts a region of the CHST14 protein in which other variant(s) (p.Pro281Leu) have been determined to be pathogenic (PMID: 20533528). This suggests that this is a clinically significant region of the protein, and that variants that disrupt it are likely to be disease-causing. For these reasons, this variant has been classified as Pathogenic.

Literature cited by the submitters: PubMed 20533528.